The following is an entry in ClinVar:

ClinVar aggregate classification (germline): Uncertain significance (1 of 4 stars; one submission).

Submission:

Labcorp Genetics (formerly Invitae), Labcorp
Classification: Uncertain significance. Last evaluated: 2023-06-15. Review status: criteria provided, single submitter. Criteria: Invitae Variant Classification Sherloc (09022015). Collection method: clinical testing. Allele origin: germline.
Comment: This sequence change replaces valine, which is neutral and non-polar, with alanine, which is neutral and non-polar, at codon 785 of the DNA2 protein (p.Val785Ala). This variant is not present in population databases (gnomAD no frequency). This variant has not been reported in the literature in individuals affected with DNA2-related conditions. Advanced modeling of protein sequence and biophysical properties (such as structural, functional, and spatial information, amino acid conservation, physicochemical variation, residue mobility, and thermodynamic stability) performed at Invitae indicates that this missense variant is expected to disrupt DNA2 protein function. In summary, the available evidence is currently insufficient to determine the role of this variant in disease. Therefore, it has been classified as a Variant of Uncertain Significance.

NM_001080449.3(DNA2):c.2354T>C (p.Val785Ala)

Gene: DNA2 (DNA replication helicase/nuclease 2; minus strand). Cytogenetic location: 10q21.3.
Variant type: single nucleotide variant.
Coding change: c.2354T>C on transcript NM_001080449.3 (MANE Select); coding-DNA position 2354, T replaced by C.
Protein change: p.Val785Ala; replaces valine 785 with alanine.
Molecular consequence: missense variant. On other transcripts: non-coding transcript variant (1).
Genome position (GRCh38, 1-based): chr10:68,422,745, A>G on the plus strand (T>C on the coding strand, the complement: DNA2 is on the minus strand). VCF-style: chr10-68422745-A-G. GRCh37 (hg19) VCF-style: chr10-70182502-A-G.
Other names: short protein forms V785A.
Identifiers: ClinVar variation 2729774 (VCV002729774.3), dbSNP rs2051682286, ClinGen allele CA376848574.